The following is an entry in ClinVar:

NM_015662.3(IFT172):c.1415A>G (p.Asp472Gly)

Gene: IFT172 (intraflagellar transport 172; minus strand). Cytogenetic location: 2p23.3.
Variant type: single nucleotide variant.
Coding change: c.1415A>G on transcript NM_015662.3 (MANE Select); coding-DNA position 1415, A replaced by G.
Protein change: p.Asp472Gly; replaces aspartic acid 472 with glycine.
Molecular consequence: missense variant.
Genome position (GRCh38, 1-based): chr2:27,472,359, T>C on the plus strand (A>G on the coding strand, the complement: IFT172 is on the minus strand). VCF-style: chr2-27472359-T-C. GRCh37 (hg19) VCF-style: chr2-27695226-T-C.
Other names: c.1415A>G, p.Asp472Gly (NM_001410739.1); c.1415A>G (NM_015662.1); short protein forms D472G.
Identifiers: ClinVar variation 3032571 (VCV003032571.3), dbSNP rs780688146, ClinGen allele CA1580650.
Genomic context (GRCh38, chr2:27,472,359, plus strand): 5'-TCCAGCCAATCCACACGGCTCTCATGGCTGACGGTGCCAATGTTGTAGCCACCAATCAGA[T>C]CCACTATAGAATAAAGGAGACAGGGTTAAGAAGAGAGATTCCACACATATACATAGTATG-3'
Protein context (NP_056477.1, residues 462-482): LIDIKTIAIV[Asp472Gly]LIGGYNIGTV

ClinVar aggregate classification (germline): Uncertain significance. Review status: criteria provided, single submitter (1 of 4 stars). 2 submissions from 2 submitters: Uncertain significance (1). 1 of the submissions does not count toward it. Last evaluated 2025-05-15.

Conditions:
IFT172-related disorder. Also called: IFT172-related condition; IFT172-related disorders.
Inborn genetic diseases. Identifiers: MedGen C0950123, MeSH D030342.

Allele frequency attached by ClinVar (database versions not stated): gnomAD exomes below 0.00001; ExAC 0.00001.
gnomAD v4.1: 3 of 1,612,952 alleles (0.00019%); highest among the groups gnomAD compares: Admixed American, 0.005%; no homozygotes.

Submissions (2):

Ambry Genetics
Classification: Uncertain significance for Inborn genetic diseases. Last evaluated: 2025-05-15. Review status: criteria provided, single submitter. Criteria: Ambry Variant Classification Scheme 2023. Collection method: clinical testing. Allele origin: germline.

PreventionGenetics, part of Exact Sciences
Classification: Uncertain significance for IFT172-related condition. Last evaluated: 2024-02-14. Review status: no assertion criteria provided. Collection method: clinical testing. Allele origin: germline. Not counted in ClinVar's aggregate classification.
Comment: The IFT172 c.1415A>G variant is predicted to result in the amino acid substitution p.Asp472Gly. To our knowledge, this variant has not been reported in the literature. This variant is reported in 0.0058% of alleles in individuals of Latino descent in gnomAD. At this time, the clinical significance of this variant is uncertain due to the absence of conclusive functional and genetic evidence.